The following is an entry in ClinVar:

ClinVar aggregate classification (germline): Uncertain significance (1 of 4 stars; one submission).

Conditions:
Neurodevelopmental disorder. Identifiers: MedGen C1535926, MeSH D065886, MONDO:0700092.

Submission:

Victorian Clinical Genetics Services, Murdoch Childrens Research Institute
Classification: Uncertain significance for Neurodevelopmental disorder. Last evaluated: 2020-07-02. Review status: criteria provided, single submitter. Criteria: ACMG Guidelines, 2015. Collection method: clinical testing. Allele origin: germline. Affected: yes.
Comment: Based on the classification scheme VCGS_Germline_v1.1.1, this variant is classified as 3B-VUS. Following criteria are met: 0102 - Loss-of-function is a known mechanism of disease for this gene. (N) 0108 - This gene is known to be associated with both recessive and dominant disease. This is an emerging gene, however families reported with recessive inheritance had missense variants, whereas dominant families had predominantly frameshift and nonsense variants, but also missense (PMID: 31928709). (N) 0213 - In-frame deletion in a non-repetitive region that has high conservation. (P) 0251 - Variant is heterozygous. (N) 0301 - Variant is absent from gnomAD. (P) 0600 - Variant is located in an annotated domain or motif (DSBH subdomain in the catalytic domain; PMID: 31928709). (N) 0705 - No comparable variants have previous evidence for pathogenicity. (N) 0807 - Variant has not previously been reported in a clinical context. (N) 0905 - No segregation evidence has been identified for this variant. (N) 1007 - No published functional evidence has been identified for this variant. (N) 1208 - Inheritance information for this variant is not currently available. (N) Legend: (P) - Pathogenic, (N) - Neutral, (B) - Benign

Literature cited by the submitters: PubMed 31928709.

NM_001287491.2(TET3):c.3136_3138del (p.Asn1046del)

Gene: TET3 (tet methylcytosine dioxygenase 3; plus strand). Cytogenetic location: 2p13.1.
Variant type: Deletion.
Coding change: c.3136_3138del on transcript NM_001287491.2 (MANE Select); coding-DNA positions 3136 to 3138, 3 bases deleted (AAC; older notation c.3136_3138delAAC).
Protein change: p.Asn1046del; deletes asparagine 1046.
Genome position (GRCh38, 1-based): chr2:74,093,535-74,093,537, AAC deleted; deleting any 3 consecutive bases within chr2:74,093,534-74,093,537 gives the same sequence; the c. name uses the placement nearest the transcript's 3' end. VCF-style (leftmost placement, unchanged base first): chr2-74093533-CCAA-C. GRCh37 (hg19) VCF-style: chr2-74320660-CCAA-C.
Other names: c.2857_2859del, p.Asn953del (NM_001366022.1); short protein forms N1046del, N953del.
Identifiers: ClinVar variation 3377477 (VCV003377477.1).